The following is an entry in ClinVar:

ClinVar aggregate classification (germline): Likely benign (0 of 4 stars; one submission).

Conditions:
AFF4-related disorder. Also called: AFF4-related condition.

gnomAD v4.1: 5 of 1,613,848 alleles (0.00031%); highest among the groups gnomAD compares: Non-Finnish European, 0.00042%; no homozygotes.

Submission:

PreventionGenetics, part of Exact Sciences
Classification: Likely benign for AFF4-related condition. Last evaluated: 2022-03-10. Review status: no assertion criteria provided. Collection method: clinical testing. Allele origin: germline.
Comment: This variant is classified as likely benign based on ACMG/AMP sequence variant interpretation guidelines (Richards et al. 2015 PMID: 25741868, with internal and published modifications).

NM_014423.4(AFF4):c.3378A>G (p.Glu1126=)

Gene: AFF4 (ALF transcription elongation factor 4; minus strand). Cytogenetic location: 5q31.1.
Variant type: single nucleotide variant.
Coding change: c.3378A>G on transcript NM_014423.4 (MANE Select); coding-DNA position 3378, A replaced by G.
Protein change: p.Glu1126=; no amino-acid change (glutamic acid 1126 retained).
Molecular consequence: synonymous variant.
Genome position (GRCh38, 1-based): chr5:132,881,173, T>C on the plus strand (A>G on the coding strand, the complement: AFF4 is on the minus strand). VCF-style: chr5-132881173-T-C. GRCh37 (hg19) VCF-style: chr5-132216865-T-C.
Identifiers: ClinVar variation 3354928 (VCV003354928.1).
Genomic context (GRCh38, chr5:132,881,173, plus strand): 5'-ACGAACTAGATCTGTCATGATGCTTGCATTAAAGATGAGAGGGCCCATTACTTTATCCAG[T>C]TCAGCAAAGAATTCTAGAAAACCAAAAACATTCATTAAATGATATATACTCTTTTGAATC-3'
Protein context (NP_055238.1, residues 1116-1136): LSKEQKEFFA[Glu1126=]LDKVMGPLIF